The following is an entry in ClinVar:

ClinVar aggregate classification (germline): Uncertain significance (1 of 4 stars; one submission).

Allele frequency attached by ClinVar (database versions not stated): gnomAD exomes below 0.00001.
gnomAD v4.1: 2 of 1,613,882 alleles (0.00012%); highest among the groups gnomAD compares: Non-Finnish European, 0.00017%; no homozygotes.

Submission:

Labcorp Genetics (formerly Invitae), Labcorp
Classification: Uncertain significance. Last evaluated: 2024-10-23. Review status: criteria provided, single submitter. Criteria: Invitae Variant Classification Sherloc (09022015). Collection method: clinical testing. Allele origin: germline.
Comment: This sequence change replaces histidine, which is basic and polar, with arginine, which is basic and polar, at codon 1343 of the ERCC6 protein (p.His1343Arg). This variant is not present in population databases (gnomAD no frequency). This variant has not been reported in the literature in individuals affected with ERCC6-related conditions. ClinVar contains an entry for this variant (Variation ID: 2420208). An algorithm developed to predict the effect of missense changes on protein structure and function outputs the following: PolyPhen-2: "Benign". The arginine amino acid residue is found in multiple mammalian species, which suggests that this missense change does not adversely affect protein function. In summary, the available evidence is currently insufficient to determine the role of this variant in disease. Therefore, it has been classified as a Variant of Uncertain Significance.

NM_000124.4(ERCC6):c.4028A>G (p.His1343Arg)

Gene: ERCC6 (ERCC excision repair 6, chromatin remodeling factor; minus strand). Cytogenetic location: 10q11.23.
Variant type: single nucleotide variant.
Coding change: c.4028A>G on transcript NM_000124.4 (MANE Select); coding-DNA position 4028, A replaced by G.
Protein change: p.His1343Arg; replaces histidine 1343 with arginine.
Molecular consequence: missense variant.
Genome position (GRCh38, 1-based): chr10:49,460,407, T>C on the plus strand (A>G on the coding strand, the complement: ERCC6 is on the minus strand). VCF-style: chr10-49460407-T-C. GRCh37 (hg19) VCF-style: chr10-50668453-T-C.
Other names: c.4028A>G, p.His1343Arg (NM_001346440.2); short protein forms H1343R.
Identifiers: ClinVar variation 2420208 (VCV002420208.6), dbSNP rs2495946815, ClinGen allele CA376708081.
Genomic context (GRCh38, chr10:49,460,407, plus strand): 5'-GAAAGCAAAAAGGTTATCTATATTACCTGGCACTTCTCTGTTGGAGATGTTGATGAAGGA[T>C]GCTGCACAGAGAAGTTAGAATTCCTTTTCTTACCAAATCTACTCCTAAAAAAGGAAAAGC-3'
Protein context (NP_000115.1, residues 1333-1353): KKRNSNFSVQ[His1343Arg]PSSTSPTEKC